The following is an entry in ClinVar:

ClinVar aggregate classification (germline): Uncertain significance. Review status: criteria provided, single submitter (1 of 4 stars). 2 submissions from 2 submitters: Uncertain significance (1). 1 of the submissions does not count toward it. Last evaluated 2025-04-20.

Conditions:
PCNT-related disorder. Also called: PCNT-related condition.

Allele frequency attached by ClinVar (database versions not stated): TOPMed below 0.00001; gnomAD exomes 0.00001 and 0.00002.
gnomAD v4.1: 24 of 1,611,512 alleles (0.0015%); highest among the groups gnomAD compares: Non-Finnish European, 0.0018%; no homozygotes.

Submissions (2):

GeneDx
Classification: Uncertain significance. Last evaluated: 2025-04-20. Review status: criteria provided, single submitter. Criteria: GeneDx Variant Classification Process June 2021. Collection method: clinical testing. Allele origin: germline. Affected: yes.
Comment: Not observed at significant frequency in large population cohorts (gnomAD); In silico analysis indicates that this missense variant does not alter protein structure/function; Has not been previously published as pathogenic or benign to our knowledge

PreventionGenetics, part of Exact Sciences
Classification: Uncertain significance for PCNT-related condition. Last evaluated: 2024-01-22. Review status: no assertion criteria provided. Collection method: clinical testing. Allele origin: germline. Not counted in ClinVar's aggregate classification.
Comment: The PCNT c.9842C>T variant is predicted to result in the amino acid substitution p.Ala3281Val. To our knowledge, this variant has not been reported in the literature. This variant is reported in 0.0018% of alleles in individuals of European (Non-Finnish) descent in gnomAD. At this time, the clinical significance of this variant is uncertain due to the absence of conclusive functional and genetic evidence.

NM_006031.6(PCNT):c.9842C>T (p.Ala3281Val)

Gene: PCNT (pericentrin; plus strand). Cytogenetic location: 21q22.3.
Variant type: single nucleotide variant.
Coding change: c.9842C>T on transcript NM_006031.6 (MANE Select); coding-DNA position 9842, C replaced by T.
Protein change: p.Ala3281Val; replaces alanine 3281 with valine.
Molecular consequence: missense variant.
Genome position (GRCh38, 1-based): chr21:46,444,696, C>T. VCF-style: chr21-46444696-C-T. GRCh37 (hg19) VCF-style: chr21-47864609-C-T.
Other names: c.9251C>T, p.Ala3084Val (NM_001315529.2); short protein forms A3084V, A3281V.
Identifiers: ClinVar variation 1697156 (VCV001697156.4), dbSNP rs988693930, ClinGen allele CA322030448.